The following is an entry in ClinVar:

NM_002292.4(LAMB2):c.2879A>G (p.Tyr960Cys)

Gene: LAMB2 (laminin subunit beta 2; minus strand). Cytogenetic location: 3p21.31.
Variant type: single nucleotide variant.
Coding change: c.2879A>G on transcript NM_002292.4 (MANE Select); coding-DNA position 2879, A replaced by G.
Protein change: p.Tyr960Cys; replaces tyrosine 960 with cysteine.
Molecular consequence: missense variant.
Genome position (GRCh38, 1-based): chr3:49,125,011, T>C on the plus strand (A>G on the coding strand, the complement: LAMB2 is on the minus strand). VCF-style: chr3-49125011-T-C. GRCh37 (hg19) VCF-style: chr3-49162444-T-C.
Other names: short protein forms Y960C.
Identifiers: ClinVar variation 1716334 (VCV001716334.6), dbSNP rs2045395707, ClinGen allele CA352715570.

ClinVar aggregate classification (germline): Uncertain significance (1 of 4 stars; one submission).

Conditions:
Pierson syndrome. Also called: MICROCORIA-CONGENITAL NEPHROTIC SYNDROME. Identifiers: Orphanet 2670, MedGen C1836876, MONDO:0012184, OMIM 609049.
LAMB2-related infantile-onset nephrotic syndrome. Also called: Nephrotic Syndrome, type 5; NEPHROTIC SYNDROME, TYPE 5, WITHOUT OCULAR ABNORMALITIES; NEPHROTIC SYNDROME, TYPE 5, WITH OCULAR ABNORMALITIES. Identifiers: Orphanet 306507, MedGen C3280113, MONDO:0013621, OMIM 614199.

Submission:

Labcorp Genetics (formerly Invitae), Labcorp
Classification: Uncertain significance for LAMB2-related infantile-onset nephrotic syndrome; Pierson syndrome. Last evaluated: 2022-08-13. Review status: criteria provided, single submitter. Criteria: Invitae Variant Classification Sherloc (09022015). Collection method: clinical testing. Allele origin: germline.
Comment: In summary, the available evidence is currently insufficient to determine the role of this variant in disease. Therefore, it has been classified as a Variant of Uncertain Significance. Algorithms developed to predict the effect of missense changes on protein structure and function (SIFT, PolyPhen-2, Align-GVGD) all suggest that this variant is likely to be disruptive. This variant has not been reported in the literature in individuals affected with LAMB2-related conditions. This variant is not present in population databases (gnomAD no frequency). This sequence change replaces tyrosine, which is neutral and polar, with cysteine, which is neutral and slightly polar, at codon 960 of the LAMB2 protein (p.Tyr960Cys).